The following is an entry in ClinVar:

NM_004525.3(LRP2):c.5701G>T (p.Ala1901Ser)

Gene: LRP2 (LDL receptor related protein 2; minus strand). Cytogenetic location: 2q31.1.
Variant type: single nucleotide variant.
Coding change: c.5701G>T on transcript NM_004525.3 (MANE Select); coding-DNA position 5701, G replaced by T.
Protein change: p.Ala1901Ser; replaces alanine 1901 with serine.
Molecular consequence: missense variant.
Genome position (GRCh38, 1-based): chr2:169,216,378, C>A on the plus strand (G>T on the coding strand, the complement: LRP2 is on the minus strand). VCF-style: chr2-169216378-C-A. GRCh37 (hg19) VCF-style: chr2-170072888-C-A.
Other names: short protein forms A1901S.
Identifiers: ClinVar variation 3711307 (VCV003711307.2).

ClinVar aggregate classification (germline): Uncertain significance (1 of 4 stars; one submission).

gnomAD v4.1: 2 of 1,613,610 alleles (0.00012%); highest among the groups gnomAD compares: East Asian, 0.0022%; no homozygotes.

Submission:

Labcorp Genetics (formerly Invitae), Labcorp
Classification: Uncertain significance. Last evaluated: 2024-12-31. Review status: criteria provided, single submitter. Criteria: Invitae Variant Classification Sherloc (09022015). Collection method: clinical testing. Allele origin: germline.
Comment: This sequence change replaces alanine, which is neutral and non-polar, with serine, which is neutral and polar, at codon 1901 of the LRP2 protein (p.Ala1901Ser). This variant is present in population databases (no rsID available, gnomAD 0.006%). This variant has not been reported in the literature in individuals affected with LRP2-related conditions. Invitae Evidence Modeling of protein sequence and biophysical properties (such as structural, functional, and spatial information, amino acid conservation, physicochemical variation, residue mobility, and thermodynamic stability) indicates that this missense variant is not expected to disrupt LRP2 protein function with a negative predictive value of 95%. In summary, the available evidence is currently insufficient to determine the role of this variant in disease. Therefore, it has been classified as a Variant of Uncertain Significance.